The following is an entry in ClinVar:

ClinVar aggregate classification (germline): Likely benign. Review status: criteria provided, single submitter (1 of 4 stars). 2 submissions from 2 submitters: Likely benign (1). 1 of the submissions does not count toward it. Last evaluated 2022-10-20.

Conditions:
Pyridoxine-dependent epilepsy (EPEO4). Also called: Pyridoxine-Dependent Seizures; Pyridoxine-Dependent Epilepsy - ALDH7A1; PYRIDOXINE DEPENDENCY WITH SEIZURES; EPILEPSY, EARLY-ONSET, 4, VITAMIN B6-DEPENDENT. Identifiers: Orphanet 3006, MedGen C1849508, MONDO:0009945, OMIM 266100. Disease mechanism: loss of function.
ALDH7A1-related disorder. Also called: ALDH7A1-related condition.

Allele frequency attached by ClinVar (database versions not stated): gnomAD exomes below 0.00001; TOPMed below 0.00001.
gnomAD v4.1: 4 of 1,613,696 alleles (0.00025%); highest among the groups gnomAD compares: African/African-American, 0.004%; no homozygotes.

Submissions (2):

Labcorp Genetics (formerly Invitae), Labcorp
Classification: Likely benign for Pyridoxine-dependent epilepsy. Last evaluated: 2022-10-20. Review status: criteria provided, single submitter. Criteria: Invitae Variant Classification Sherloc (09022015). Collection method: clinical testing. Allele origin: germline.

PreventionGenetics, part of Exact Sciences
Classification: Likely benign for ALDH7A1-related condition. Last evaluated: 2022-08-26. Review status: no assertion criteria provided. Collection method: clinical testing. Allele origin: germline. Not counted in ClinVar's aggregate classification.
Comment: This variant is classified as likely benign based on ACMG/AMP sequence variant interpretation guidelines (Richards et al. 2015 PMID: 25741868, with internal and published modifications).

NM_001182.5(ALDH7A1):c.1362A>G (p.Gly454=)

Gene: ALDH7A1 (aldehyde dehydrogenase 7 family member A1; minus strand). Cytogenetic location: 5q23.2.
Variant type: single nucleotide variant.
Coding change: c.1362A>G on transcript NM_001182.5 (MANE Select); coding-DNA position 1362, A replaced by G.
Protein change: p.Gly454=; no amino-acid change (glycine 454 retained).
Molecular consequence: synonymous variant.
Genome position (GRCh38, 1-based): chr5:126,550,249, T>C on the plus strand (A>G on the coding strand, the complement: ALDH7A1 is on the minus strand). VCF-style: chr5-126550249-T-C. GRCh37 (hg19) VCF-style: chr5-125885941-T-C.
Other names: c.1278A>G, p.Gly426= (NM_001201377.2); c.1170A>G, p.Gly390= (NM_001202404.2); c.1362A>G (NM_001182.4).
Identifiers: ClinVar variation 1135314 (VCV001135314.11), dbSNP rs1749946158, ClinGen allele CA446280448.